The following is an entry in ClinVar:

ClinVar aggregate classification (germline): Likely pathogenic (1 of 4 stars; one submission).

Conditions:
Frontotemporal dementia and/or amyotrophic lateral sclerosis 4. Also called: FTDALS4. Identifiers: Orphanet 275872, MedGen C4225325, MONDO:0014641, OMIM 616439.

Submission:

Molecular Genetics, Royal Melbourne Hospital
Classification: Likely pathogenic for Frontotemporal dementia and/or amyotrophic lateral sclerosis 4. Last evaluated: 2024-04-07. Review status: criteria provided, single submitter. Criteria: ACMG Guidelines, 2015. Collection method: clinical testing. Allele origin: germline. Inheritance: Autosomal dominant inheritance. Affected: yes.
Comment: This complex sequence change in TBK1 is a frameshift variant predicted to cause a premature stop codon, p.(Val23Alafs*21), in biologically relevant exon 2/21 leading to nonsense-mediated decay in a gene in which loss-of-function is an established disease mechanism (PMID: 25803835, 30033073, 30939964). This variant is absent from the population database gnomAD v4.0. To our knowledge, this variant is novel and has not been previously reported in the relevant scientific literature or databases. Based on the classification scheme RMH Modified ACMG Guidelines v1.6.1, this variant is classified as LIKELY PATHOGENIC. Following criteria are met: PVS1, PM2_Supporting

Literature cited by the submitters: PubMed 25803835; PubMed 30033073; PubMed 30939964.

NM_013254.4(TBK1):c.68_70delinsCC (p.Val23fs)

Gene: TBK1 (TANK binding kinase 1; plus strand). Cytogenetic location: 12q14.2.
Variant type: Indel.
Coding change: c.68_70delinsCC on transcript NM_013254.4 (MANE Select); coding-DNA positions 68 to 70, TCT replaced by CC.
Protein change: p.Val23fs; shifts the reading frame from valine 23.
Molecular consequence: frameshift variant.
Genome position (GRCh38, 1-based): chr12:64,455,938-64,455,940, TCT replaced by CC. VCF-style: chr12-64455938-TCT-CC. GRCh37 (hg19) VCF-style: chr12-64849718-TCT-CC.
Other names: c.68_70delTCTinsCC (NM_013254.4); short protein forms V23fs.
Identifiers: ClinVar variation 3068559 (VCV003068559.1), dbSNP rs2539476696, ClinGen allele CA2740097774.
Genomic context (GRCh38, chr12:64,455,938, plus strand): 5'-GCACTTCTAATCATCTGTGGCTTTTATCTGATATTTTAGGCCAAGGAGCTACTGCAAATG[TCT>CC]TTCGTGGAAGACATAAGGTTAGTACAGAGAAAACTTTGAAGACCTTTTATCACTGTATGT-3'